The following is an entry in ClinVar:

ClinVar aggregate classification (germline): Conflicting classifications of pathogenicity. Review status: criteria provided, conflicting classifications (1 of 4 stars). 2 submissions from 1 submitter: Pathogenic (1); Uncertain significance (1). Last evaluated 2023-04-20.

Conditions:
Intellectual developmental disorder, X-linked, syndromic, Raymond type. Also called: Syndromic X-linked intellectual disability Raymond type. Identifiers: MedGen C3275406, MONDO:0010427, OMIM 300799.
Combined oxidative phosphorylation deficiency. Identifiers: MedGen C4540031, MONDO:0000732.
Charcot-Marie-Tooth Neuropathy X. Identifiers: MedGen CN118851.

Submissions (2):

Labcorp Genetics (formerly Invitae), Labcorp
Classification: Uncertain significance for Charcot-Marie-Tooth Neuropathy X; Combined oxidative phosphorylation deficiency. Last evaluated: 2023-04-20. Review status: criteria provided, single submitter. Criteria: Invitae Variant Classification Sherloc (09022015). Collection method: clinical testing. Allele origin: unknown.
Comment: In summary, the available evidence is currently insufficient to determine the role of this variant in disease. Therefore, it has been classified as a Variant of Uncertain Significance. This variant has not been reported in the literature in individuals affected with AIFM1-related conditions. A gross deletion of the genomic region encompassing the full coding sequence of the AIFM1 gene has been identified. The current clinical and genetic evidence is not sufficient to establish whether loss-of-function variants in AIFM1 cause disease. The boundaries of this event are unknown as they extend beyond the assayed region for this gene and therefore may encompass additional genes.

Labcorp Genetics (formerly Invitae), Labcorp
Classification: Pathogenic for Intellectual developmental disorder, X-linked, syndromic, Raymond type. Last evaluated: 2022-08-28. Review status: criteria provided, single submitter. Criteria: Invitae Variant Classification Sherloc (09022015). Collection method: clinical testing. Allele origin: germline.
Comment: A gross deletion of the genomic region encompassing the full coding sequence of the ZDHHC9 gene has been identified. Loss-of-function variants in ZDHHC9 are known to be pathogenic (PMID: 17436253, 24357419). The boundaries of this event are unknown as they extend beyond the assayed region for this gene and therefore may encompass additional genes. This variant has not been reported in the literature in individuals affected with ZDHHC9-related conditions. For these reasons, this variant has been classified as Pathogenic.

Literature cited by the submitters: PubMed 17436253; PubMed 24357419.

NC_000023.10:g.(?_128674417)_(129299630_?)del

Genes: AIFM1 (apoptosis inducing factor mitochondria associated 1; minus strand), APLN (apelin; minus strand), BCORL1 (BCL6 corepressor like 1; plus strand), ELF4 (E74 like ETS transcription factor 4; minus strand), OCRL (OCRL inositol polyphosphate-5-phosphatase; plus strand) and 4 more. Cytogenetic location: Xq25-26.1.
Variant type: Deletion.
Identifiers: ClinVar variation 2426260 (VCV002426260.4).